The following is an entry in ClinVar:

NM_025144.4(ALPK1):c.2467C>G (p.Pro823Ala)

Gene: ALPK1 (alpha kinase 1; plus strand). Cytogenetic location: 4q25.
Variant type: single nucleotide variant.
Coding change: c.2467C>G on transcript NM_025144.4 (MANE Select); coding-DNA position 2467, C replaced by G.
Protein change: p.Pro823Ala; replaces proline 823 with alanine.
Molecular consequence: missense variant.
Genome position (GRCh38, 1-based): chr4:112,432,014, C>G. VCF-style: chr4-112432014-C-G. GRCh37 (hg19) VCF-style: chr4-113353170-C-G.
Other names: c.2467C>G, p.Pro823Ala (NM_001102406.2); c.2233C>G, p.Pro745Ala (NM_001253884.2); short protein forms P823A, P745A.
Identifiers: ClinVar variation 2812429 (VCV002812429.3), dbSNP rs1356117295, ClinGen allele CA357899657.

ClinVar aggregate classification (germline): Uncertain significance (1 of 4 stars; one submission).

Submission:

Labcorp Genetics (formerly Invitae), Labcorp
Classification: Uncertain significance. Last evaluated: 2022-11-06. Review status: criteria provided, single submitter. Criteria: Invitae Variant Classification Sherloc (09022015). Collection method: clinical testing. Allele origin: germline.
Comment: In summary, the available evidence is currently insufficient to determine the role of this variant in disease. Therefore, it has been classified as a Variant of Uncertain Significance. Advanced modeling of protein sequence and biophysical properties (such as structural, functional, and spatial information, amino acid conservation, physicochemical variation, residue mobility, and thermodynamic stability) performed at Invitae indicates that this missense variant is not expected to disrupt ALPK1 protein function. This variant has not been reported in the literature in individuals affected with ALPK1-related conditions. This variant is not present in population databases (gnomAD no frequency). This sequence change replaces proline, which is neutral and non-polar, with alanine, which is neutral and non-polar, at codon 823 of the ALPK1 protein (p.Pro823Ala).